The following is an entry in ClinVar:

ClinVar aggregate classification (germline): Uncertain significance. Review status: criteria provided, multiple submitters, no conflicts (2 of 4 stars). 2 submissions from 2 submitters: Uncertain significance (2). Last evaluated 2025-02-06.

Conditions:
Duchenne muscular dystrophy (DMD). Also called: MUSCULAR DYSTROPHY, PSEUDOHYPERTROPHIC PROGRESSIVE, DUCHENNE TYPE; Duchenne Muscular Dystrophy (DMD). Identifiers: Orphanet 98896, MedGen C0013264, MONDO:0010679, OMIM 310200.
Progressive muscular dystrophy. Identifiers: Orphanet 206644, MedGen C4551827, MONDO:0016106.

gnomAD v4.1: 2 of 1,208,999 alleles (0.00017%); highest among the groups gnomAD compares: African/African-American, 0.0018%; no homozygotes.

Submissions (2):

Molecular Genetics, Royal Melbourne Hospital
Classification: Uncertain significance for Progressive muscular dystrophy. Last evaluated: 2025-02-06. Review status: criteria provided, single submitter. Criteria: ACMG Guidelines, 2015. Collection method: clinical testing. Allele origin: germline. Inheritance: X-linked inheritance.
Comment: Based on the classification scheme RMH Modified ACMG/AMP Guidelines v1.7.1, this variant is classified as a VARIANT OF UNCERTAIN SIGNIFICANCE. Following criteria are met: BP4, PM2_Supporting.

Labcorp Genetics (formerly Invitae), Labcorp
Classification: Uncertain significance for Duchenne muscular dystrophy. Last evaluated: 2022-05-26. Review status: criteria provided, single submitter. Criteria: Invitae Variant Classification Sherloc (09022015). Collection method: clinical testing. Allele origin: germline.
Comment: Algorithms developed to predict the effect of missense changes on protein structure and function are either unavailable or do not agree on the potential impact of this missense change (SIFT: "Deleterious"; PolyPhen-2: "Possibly Damaging"; Align-GVGD: "Class C0"). In summary, the available evidence is currently insufficient to determine the role of this variant in disease. Therefore, it has been classified as a Variant of Uncertain Significance. This variant has not been reported in the literature in individuals affected with DMD-related conditions. This variant is not present in population databases (gnomAD no frequency). This sequence change replaces leucine, which is neutral and non-polar, with valine, which is neutral and non-polar, at codon 2936 of the DMD protein (p.Leu2936Val).

NM_004006.3(DMD):c.8806C>G (p.Leu2936Val)

Gene: DMD (dystrophin; minus strand). Cytogenetic location: Xp21.2.
Variant type: single nucleotide variant.
Coding change: c.8806C>G on transcript NM_004006.3 (MANE Select); coding-DNA position 8806, C replaced by G.
Protein change: p.Leu2936Val; replaces leucine 2936 with valine.
Molecular consequence: missense variant.
Genome position (GRCh38, 1-based): chrX:31,478,237, G>C on the plus strand (C>G on the coding strand, the complement: DMD is on the minus strand). VCF-style: chrX-31478237-G-C. GRCh37 (hg19) VCF-style: chrX-31496354-G-C.
Other names: c.8782C>G, p.Leu2928Val (NM_000109.4); c.8794C>G, p.Leu2932Val (NM_004009.3); c.8437C>G, p.Leu2813Val (NM_004010.3); c.4783C>G, p.Leu1595Val (NM_004011.4); c.4774C>G, p.Leu1592Val (NM_004012.4); c.1426C>G, p.Leu476Val (NM_004013.3, NM_004020.4, NM_004021.3 and 2 more transcripts); c.619C>G, p.Leu207Val (NM_004014.3); short protein forms L207V, L2936V, L1592V, L2932V, L1595V, L2813V, L2928V, L476V.
Identifiers: ClinVar variation 2158685 (VCV002158685.5), dbSNP rs146517753, ClinGen allele CA412654111.
Genomic context (GRCh38, chrX:31,478,237, plus strand): 5'-TCACCTCAGCTTGGCGCAGCTTGAGGTCCAGCTCATCCGTGGCCTCTTGAAGTTCCCGGA[G>C]TCTTTCAAGGGTCTCATCTATTTTTCTCTGCCAGTCAGCGGAGTGCAGGTTCAATTTTTC-3'
Protein context (NP_003997.2, residues 2926-2946): QRKIDETLER[Leu2936Val]RELQEATDEL